The following is an entry in ClinVar:

NM_032237.5(POMK):c.564C>T (p.Ile188=)

Gene: POMK (protein O-mannose kinase; plus strand). Cytogenetic location: 8p11.21.
Variant type: single nucleotide variant.
Coding change: c.564C>T on transcript NM_032237.5 (MANE Select); coding-DNA position 564, C replaced by T.
Protein change: p.Ile188=; no amino-acid change (isoleucine 188 retained).
Molecular consequence: synonymous variant.
Genome position (GRCh38, 1-based): chr8:43,122,388, C>T. VCF-style: chr8-43122388-C-T. GRCh37 (hg19) VCF-style: chr8-42977531-C-T.
Other names: c.564C>T, p.Ile188= (NM_001277971.2).
Identifiers: ClinVar variation 474193 (VCV000474193.15), dbSNP rs55724435, ClinGen allele CA4736302.

ClinVar aggregate classification (germline): Likely benign. Review status: criteria provided, multiple submitters, no conflicts (2 of 4 stars). 4 submissions from 4 submitters: Likely benign (4). Last evaluated 2026-01-12.

Conditions:
POMK-related disorder. Also called: POMK-related condition.
Limb-girdle muscular dystrophy due to POMK deficiency. Also called: MUSCULAR DYSTROPHY-DYSTROGLYCANOPATHY, LIMB-GIRDLE, POMK-RELATED; Muscular dystrophy-dystroglycanopathy (limb-girdle), type c, 12. Identifiers: Orphanet 445110, MedGen C4015184, MONDO:0014489, OMIM 616094.
Muscular dystrophy-dystroglycanopathy (congenital with brain and eye anomalies), type a, 12 (MDDGA12). Also called: WALKER-WARBURG SYNDROME OR MUSCLE-EYE-BRAIN DISEASE, POMK-RELATED. Identifiers: Orphanet 899, MedGen C3808964, MONDO:0014101, OMIM 615249.

Allele frequency attached by ClinVar (database versions not stated): gnomAD exomes 0.00089 and 0.00115; ESP Exome Variant Server 0.00092; TOPMed 0.00102; ExAC 0.00111; gnomAD 0.00122 and 0.00136; 1000 Genomes Project 30x 0.00016; 1000 Genomes Project 0.00020.
gnomAD v4.1: 1,516 of 1,614,234 alleles (0.094%); highest among the groups gnomAD compares: Admixed American, 0.16%; 2 homozygotes.

Submissions (4):

Labcorp Genetics (formerly Invitae), Labcorp
Classification: Likely benign for Muscular dystrophy-dystroglycanopathy (congenital with brain and eye anomalies), type a, 12; Limb-girdle muscular dystrophy due to POMK deficiency. Last evaluated: 2026-01-12. Review status: criteria provided, single submitter. Criteria: Invitae Variant Classification Sherloc (09022015). Collection method: clinical testing. Allele origin: germline.

PreventionGenetics, part of Exact Sciences
Classification: Likely benign for POMK-related condition. Last evaluated: 2025-11-04. Review status: criteria provided, single submitter. Criteria: ACMG Guidelines, 2015. Collection method: clinical testing. Allele origin: germline.
Comment: This variant is classified as likely benign based on ACMG/AMP sequence variant interpretation guidelines (Richards et al. 2015 PMID: 25741868, with internal and published modifications).

Blueprint Genetics
Classification: Likely benign. Last evaluated: 2024-11-08. Review status: criteria provided, single submitter. Criteria: ACMG Guidelines, 2015. Collection method: clinical testing. Allele origin: germline.

GeneDx
Classification: Likely benign. Last evaluated: 2021-06-16. Review status: criteria provided, single submitter. Criteria: GeneDx Variant Classification Process June 2021. Collection method: clinical testing. Allele origin: germline. Affected: yes.